The following is an entry in ClinVar:

ClinVar aggregate classification (germline): Uncertain significance. Review status: criteria provided, multiple submitters, no conflicts (2 of 4 stars). 8 submissions from 6 submitters: Uncertain significance (8). Last evaluated 2024-10-22.

Conditions:
Arrhythmogenic right ventricular dysplasia 2. Identifiers: MedGen C1832931.
Ventricular arrhythmias due to cardiac ryanodine receptor calcium release deficiency syndrome. Also called: Autosomal dominant cardiac arrhythmia (Kuhn). Identifiers: MedGen C5542154, MONDO:0020745, OMIM 115000.
Catecholaminergic polymorphic ventricular tachycardia 1. Also called: VENTRICULAR TACHYCARDIA, CATECHOLAMINERGIC POLYMORPHIC, 1, WITH OR WITHOUT ATRIAL DYSFUNCTION AND/OR DILATED CARDIOMYOPATHY; RYR2-Related Catecholaminergic Polymorphic Ventricular Tachycardia; VENTRICULAR TACHYCARDIA, STRESS-INDUCED POLYMORPHIC 1. Identifiers: Orphanet 3286, MedGen C1631597, MONDO:0011484, OMIM 604772.
Cardiomyopathy (CMYO). Also called: Cardiomyopathies. Identifiers: Orphanet 167848, MedGen C0878544, MONDO:0004994, HP:0001638. Inheritance: Various modes of inheritance.

Allele frequency attached by ClinVar (database versions not stated): gnomAD exomes below 0.00001; TOPMed below 0.00001; ExAC 0.00002.
gnomAD v4.1: 1 of 1,595,488 alleles (0.000063%); highest among the groups gnomAD compares: Admixed American, 0.0017%; no homozygotes.

Submissions (8):

Labcorp Genetics (formerly Invitae), Labcorp
Classification: Uncertain significance for Catecholaminergic polymorphic ventricular tachycardia 1. Last evaluated: 2024-10-22. Review status: criteria provided, single submitter. Criteria: Invitae Variant Classification Sherloc (09022015). Collection method: clinical testing. Allele origin: germline.
Comment: This sequence change replaces leucine, which is neutral and non-polar, with valine, which is neutral and non-polar, at codon 2592 of the RYR2 protein (p.Leu2592Val). This variant is present in population databases (rs761019645, gnomAD 0.006%). This variant has not been reported in the literature in individuals affected with RYR2-related conditions. ClinVar contains an entry for this variant (Variation ID: 691652). Invitae Evidence Modeling of protein sequence and biophysical properties (such as structural, functional, and spatial information, amino acid conservation, physicochemical variation, residue mobility, and thermodynamic stability) has been performed for this missense variant. However, the output from this modeling did not meet the statistical confidence thresholds required to predict the impact of this variant on RYR2 protein function. In summary, the available evidence is currently insufficient to determine the role of this variant in disease. Therefore, it has been classified as a Variant of Uncertain Significance.

Color Diagnostics, LLC DBA Color Health
Classification: Uncertain significance for Cardiomyopathy. Last evaluated: 2024-07-16. Review status: criteria provided, single submitter. Criteria: ACMG Guidelines, 2015. Collection method: clinical testing. Allele origin: germline.
Comment: This missense variant replaces leucine with valine at codon 2592 of the RYR2 protein. Computational prediction suggests that this variant may not impact protein structure and function. To our knowledge, functional studies have not been reported for this variant. This variant has not been reported in individuals affected with RYR2-related disorders in the literature. This variant has been identified in 1/221070 chromosomes in the general population by the Genome Aggregation Database (gnomAD). The available evidence is insufficient to determine the role of this variant in disease conclusively. Therefore, this variant is classified as a Variant of Uncertain Significance.

GeneDx
Classification: Uncertain significance. Last evaluated: 2022-11-17. Review status: criteria provided, single submitter. Criteria: GeneDx Variant Classification Process June 2021. Collection method: clinical testing. Allele origin: germline. Affected: yes.
Comment: Not observed at significant frequency in large population cohorts (gnomAD); In silico analysis supports that this missense variant has a deleterious effect on protein structure/function; Has not been previously published as pathogenic or benign to our knowledge; Not located in one of the three hot-spot regions of the RYR2 gene, where the majority of pathogenic missense variants occur (Medeiros-Domingo et al., 2009)

Baylor Genetics
Classification: Uncertain significance for Catecholaminergic polymorphic ventricular tachycardia 1. Last evaluated: 2022-10-17. Review status: criteria provided, single submitter. Criteria: ACMG Guidelines, 2015. Collection method: clinical testing. Allele origin: unknown.

Baylor Genetics
Classification: Uncertain significance for Ventricular arrhythmias due to cardiac ryanodine receptor calcium release deficiency syndrome. Last evaluated: 2022-10-17. Review status: criteria provided, single submitter. Criteria: ACMG Guidelines, 2015. Collection method: clinical testing. Allele origin: unknown.

Baylor Genetics
Classification: Uncertain significance for Catecholaminergic polymorphic ventricular tachycardia 1. Last evaluated: 2022-10-17. Review status: criteria provided, single submitter. Criteria: ACMG Guidelines, 2015. Collection method: clinical testing. Allele origin: unknown.

Fulgent Genetics
Classification: Uncertain significance for Ventricular arrhythmias due to cardiac ryanodine receptor calcium release deficiency syndrome; Catecholaminergic polymorphic ventricular tachycardia 1. Last evaluated: 2021-07-15. Review status: criteria provided, single submitter. Criteria: ACMG Guidelines, 2015. Collection method: clinical testing. Allele origin: unknown.

Center for Advanced Laboratory Medicine, UC San Diego Health, University of California San Diego
Classification: Uncertain significance for Cardiomyopathy. Last evaluated: 2018-12-13. Review status: criteria provided, single submitter. Criteria: ACMG Guidelines, 2015. Collection method: clinical testing. Allele origin: germline. Affected: yes. Observed: 1 variant allele.

NM_001035.3(RYR2):c.7774T>G (p.Leu2592Val)

Gene: RYR2 (ryanodine receptor 2; plus strand). Cytogenetic location: 1q43.
Variant type: single nucleotide variant.
Coding change: c.7774T>G on transcript NM_001035.3 (MANE Select); coding-DNA position 7774, T replaced by G.
Protein change: p.Leu2592Val; replaces leucine 2592 with valine.
Molecular consequence: missense variant.
Genome position (GRCh38, 1-based): chr1:237,651,451, T>G. VCF-style: chr1-237651451-T-G. GRCh37 (hg19) VCF-style: chr1-237814751-T-G.
Other names: c.7774T>G (NM_001035.2); short protein forms L2592V.
Identifiers: ClinVar variation 691652 (VCV000691652.15), dbSNP rs761019645, ClinGen allele CA087492.
Genomic context (GRCh38, chr1:237,651,451, plus strand): 5'-CATTAGCTTTGTTCCAACAGACAACTGAGACCTTCTATGATGCAGCACTTACTCAGAAGA[T>G]TAGTATTTGATGTTCCATTATTAAATGAACACGCAAAGATGCCTCTTAAAGTAAGTATAG-3'
Protein context (NP_001026.2, residues 2582-2602): PSMMQHLLRR[Leu2592Val]VFDVPLLNEH